The following is an entry in ClinVar:

NM_001387430.1(SH2B1):c.1726-6C>T

Gene: SH2B1 (SH2B adaptor protein 1; plus strand). Cytogenetic location: 16p11.2.
Variant type: single nucleotide variant.
Coding change: c.1726-6C>T on transcript NM_001387430.1 (MANE Select); 6 bases into the intron before coding-DNA position 1726, C replaced by T.
Molecular consequence: intron variant.
Genome position (GRCh38, 1-based): chr16:28,872,528, C>T. VCF-style: chr16-28872528-C-T. GRCh37 (hg19) VCF-style: chr16-28883849-C-T.
Other names: c.1726-6C>T (NM_001308293.2, NM_001387404.1, NM_015503.3 and 5 more transcripts); c.718-6C>T (NM_001308294.2).
Identifiers: ClinVar variation 4929247 (VCV004929247.2).

ClinVar aggregate classification (germline): Likely benign. Review status: criteria provided, multiple submitters, no conflicts (2 of 4 stars). 2 submissions from 2 submitters: Likely benign (2). Last evaluated 2026-02-13.

Conditions:
SH2B1-related disorder. Also called: SH2B1-related condition.

gnomAD v4.1: 24 of 1,607,940 alleles (0.0015%); highest among the groups gnomAD compares: South Asian, 0.024%; no homozygotes.

Submissions (2):

PreventionGenetics, part of Exact Sciences
Classification: Likely benign for SH2B1-related condition. Last evaluated: 2026-02-13. Review status: criteria provided, single submitter. Criteria: ACMG Guidelines, 2015. Collection method: clinical testing. Allele origin: germline.
Comment: This variant is classified as likely benign based on ACMG/AMP sequence variant interpretation guidelines (Richards et al. 2015 PMID: 25741868, with internal and published modifications).

Blueprint Genetics
Classification: Likely benign. Last evaluated: 2021-08-19. Review status: criteria provided, single submitter. Criteria: ACMG Guidelines, 2015. Collection method: clinical testing. Allele origin: germline.